The following is an entry in ClinVar:

ClinVar aggregate classification (germline): Uncertain significance. Review status: criteria provided, multiple submitters, no conflicts (2 of 4 stars). 6 submissions from 6 submitters: Uncertain significance (6). Last evaluated 2026-07-10.

Conditions:
ATP1A2-related disorder. Also called: ATP1A2-related condition; ATP1A2-RELATED DISORDERS.
Inborn genetic diseases. Identifiers: MedGen C0950123, MeSH D030342.
Familial hemiplegic migraine. Identifiers: MedGen C0338484, MONDO:0000700.

Allele frequency attached by ClinVar (database versions not stated): gnomAD exomes 0.00001; ExAC 0.00002; TOPMed 0.00002.
gnomAD v4.1: 19 of 1,605,170 alleles (0.0012%); highest among the groups gnomAD compares: South Asian, 0.0045%; no homozygotes.

Submissions (6):

PreventionGenetics, part of Exact Sciences
Classification: Uncertain significance for ATP1A2-related condition. Last evaluated: 2026-07-10. Review status: criteria provided, single submitter. Criteria: ACMG Guidelines, 2015. Collection method: clinical testing. Allele origin: germline.
Comment: The ATP1A2 c.37G>A variant is predicted to result in the amino acid substitution p.Ala13Thr. To our knowledge, this variant has not been reported in the literature. This variant is reported in 0.00097% of alleles in individuals of European (non-Finnish) descent in gnomAD. At this time, the clinical significance of this variant is uncertain due to the absence of conclusive functional and genetic evidence.

Labcorp Genetics (formerly Invitae), Labcorp
Classification: Uncertain significance for Familial hemiplegic migraine. Last evaluated: 2025-11-06. Review status: criteria provided, single submitter. Criteria: Invitae Variant Classification Sherloc (09022015). Collection method: clinical testing. Allele origin: germline.
Comment: This sequence change replaces alanine, which is neutral and non-polar, with threonine, which is neutral and polar, at codon 13 of the ATP1A2 protein (p.Ala13Thr). The frequency data for this variant in the population databases is considered unreliable, as metrics indicate poor data quality at this position in the gnomAD database. This variant has not been reported in the literature in individuals affected with ATP1A2-related conditions. ClinVar contains an entry for this variant (Variation ID: 446874). Invitae Evidence Modeling of protein sequence and biophysical properties (such as structural, functional, and spatial information, amino acid conservation, physicochemical variation, residue mobility, and thermodynamic stability) has been performed for this missense variant. However, the output from this modeling did not meet the statistical confidence thresholds required to predict the impact of this variant on ATP1A2 protein function. In summary, the available evidence is currently insufficient to determine the role of this variant in disease. Therefore, it has been classified as a Variant of Uncertain Significance.

GeneDx
Classification: Uncertain significance. Last evaluated: 2022-01-07. Review status: criteria provided, single submitter. Criteria: GeneDx Variant Classification Process June 2021. Collection method: clinical testing. Allele origin: germline. Affected: yes.
Comment: Not observed at significant frequency in large population cohorts (gnomAD); In silico analysis supports that this missense variant does not alter protein structure/function; Has not been previously published as pathogenic or benign to our knowledge

Ambry Genetics
Classification: Uncertain significance for Inborn genetic diseases. Last evaluated: 2021-04-28. Review status: criteria provided, single submitter. Criteria: Ambry Variant Classification Scheme 2023. Collection method: clinical testing. Allele origin: germline.

Blueprint Genetics
Classification: Uncertain significance. Last evaluated: 2019-08-03. Review status: criteria provided, single submitter. Criteria: ACMG Guidelines, 2015. Collection method: clinical testing. Allele origin: germline.

Athena Diagnostics
Classification: Uncertain significance. Last evaluated: 2017-07-03. Review status: criteria provided, single submitter. Criteria: Athena Diagnostics Criteria. Collection method: clinical testing. Allele origin: germline.

NM_000702.4(ATP1A2):c.37G>A (p.Ala13Thr)

Gene: ATP1A2 (ATPase Na+/K+ transporting subunit alpha 2; plus strand). Cytogenetic location: 1q23.2.
Variant type: single nucleotide variant.
Coding change: c.37G>A on transcript NM_000702.4 (MANE Select); coding-DNA position 37, G replaced by A.
Protein change: p.Ala13Thr; replaces alanine 13 with threonine.
Molecular consequence: missense variant.
Genome position (GRCh38, 1-based): chr1:160,120,930, G>A. VCF-style: chr1-160120930-G-A. GRCh37 (hg19) VCF-style: chr1-160090720-G-A.
Other names: short protein forms A13T.
Identifiers: ClinVar variation 446874 (VCV000446874.11), dbSNP rs753074130, ClinGen allele CA1194077.